The following is an entry in ClinVar:

NM_174934.4(SCN4B):c.464-132del

Gene: SCN4B (sodium voltage-gated channel beta subunit 4; minus strand). Cytogenetic location: 11q23.3.
Variant type: Deletion.
Coding change: c.464-132del on transcript NM_174934.4 (MANE Select); 132 bases into the intron before coding-DNA position 464, one base deleted (G; older notation c.464-132delG).
Molecular consequence: intron variant.
Genome position (GRCh38, 1-based): chr11:118,141,468, C deleted on the plus strand (G on the coding strand, the reverse complement: SCN4B is on the minus strand); the first of 5 consecutive C bases (chr11:118,141,468-118,141,472); deleting any one gives the same sequence. VCF-style (leftmost placement, unchanged base first): chr11-118141467-AC-A. GRCh37 (hg19) VCF-style: chr11-118012182-AC-A.
Other names: c.62-132del (NM_001142348.2); c.134-132del (NM_001142349.2).
Identifiers: ClinVar variation 675960 (VCV000675960.1), dbSNP rs146941709, ClinGen allele CA229487418.

ClinVar aggregate classification (germline): Likely benign (1 of 4 stars; one submission).

Submission:

GeneDx
Classification: Likely benign. Last evaluated: 2018-06-16. Review status: criteria provided, single submitter. Criteria: GeneDx Variant Classification (06012015). Collection method: clinical testing. Allele origin: germline. Affected: yes.
Comment: This variant is considered likely benign or benign based on one or more of the following criteria: it is a conservative change, it occurs at a poorly conserved position in the protein, it is predicted to be benign by multiple in silico algorithms, and/or has population frequency not consistent with disease.